The following is an entry in ClinVar:

NM_000321.3(RB1):c.983del (p.Asn328fs)

Gene: RB1 (RB transcriptional corepressor 1; plus strand). Cytogenetic location: 13q14.2.
Variant type: Deletion.
Coding change: c.983del on transcript NM_000321.3 (MANE Select); coding-DNA position 983, one base deleted (A; older notation c.983delA).
Protein change: p.Asn328fs; shifts the reading frame from asparagine 328.
Molecular consequence: frameshift variant.
Genome position (GRCh38, 1-based): chr13:48,367,537, A deleted; the last of 5 consecutive A bases (chr13:48,367,533-48,367,537); deleting any one gives the same sequence. VCF-style (leftmost placement, unchanged base first): chr13-48367532-TA-T. GRCh37 (hg19) VCF-style: chr13-48941668-TA-T.
Other names: short protein forms N328fs.
Identifiers: ClinVar variation 1454406 (VCV001454406.6), dbSNP rs2138121175, ClinGen allele CA1139770398.

ClinVar aggregate classification (germline): Pathogenic (1 of 4 stars; one submission).

Conditions:
Retinoblastoma (RB1). Also called: RETINOBLASTOMA, SOMATIC. Identifiers: Orphanet 790, MedGen C0035335, MeSH D012175, MONDO:0008380, OMIM 180200, HP:0009919. Disease mechanism: loss of function. Inheritance: Both sporadic and heritable forms are tested..

Submission:

Labcorp Genetics (formerly Invitae), Labcorp
Classification: Pathogenic for Retinoblastoma. Last evaluated: 2021-01-07. Review status: criteria provided, single submitter. Criteria: Invitae Variant Classification Sherloc (09022015). Collection method: clinical testing. Allele origin: germline.
Comment: This variant has not been reported in the literature in individuals with RB1-related conditions. For these reasons, this variant has been classified as Pathogenic. This sequence change creates a premature translational stop signal (p.Asn328Ilefs*4) in the RB1 gene. It is expected to result in an absent or disrupted protein product. Loss-of-function variants in RB1 are known to be pathogenic (PMID: 17096365). This variant is not present in population databases (ExAC no frequency).

Literature cited by the submitters: PubMed 17096365.